The following is an entry in ClinVar:

NM_001282225.2(ADA2):c.334C>T (p.His112Tyr)

Gene: ADA2 (adenosine deaminase 2; minus strand). Cytogenetic location: 22q11.1.
Variant type: single nucleotide variant.
Coding change: c.334C>T on transcript NM_001282225.2 (MANE Select); coding-DNA position 334, C replaced by T.
Protein change: p.His112Tyr; replaces histidine 112 with tyrosine.
Molecular consequence: missense variant. On other transcripts: 5 prime UTR variant (1).
Genome position (GRCh38, 1-based): chr22:17,207,279, G>A on the plus strand (C>T on the coding strand, the complement: ADA2 is on the minus strand). VCF-style: chr22-17207279-G-A. GRCh37 (hg19) VCF-style: chr22-17688169-G-A.
Other names: c.334C>T, p.His112Tyr (NM_001282226.2); c.208C>T, p.His70Tyr (NM_001282227.2, NM_001282228.2); c.-27C>T (NM_001282229.2); short protein forms H112Y, H70Y.
Identifiers: ClinVar variation 1472946 (VCV001472946.8), dbSNP rs773226219, ClinGen allele CA10088263.
Genomic context (GRCh38, chr22:17,207,279, plus strand): 5'-GCCTGTAGGTGACATTCCTCACCAGCCAGTCCATAGTCACGATGCCAATGTCATGGAGGT[G>A]CAAGGCAGCCCCTGGAGAGGGAAGAAGAATGGTGAAGACAAAGGGGTGAAGTCCCATCCC-3'
Protein context (NP_001269154.1, residues 102-122): LRMMPKGAAL[His112Tyr]LHDIGIVTMD

ClinVar aggregate classification (germline): Likely pathogenic (1 of 4 stars; one submission).

Conditions:
Deficiency of adenosine deaminase 2. Also called: Polyarteritis nodosa, childhoood-onset; VASCULITIS, AUTOINFLAMMATION, IMMUNODEFICIENCY, AND HEMATOLOGIC DEFECTS SYNDROME; Adenosine Deaminase 2 Deficiency. Identifiers: Orphanet 404553, MedGen C3887654, MONDO:0014306, OMIM 615688, MONDO:0100317.

Allele frequency attached by ClinVar (database versions not stated): gnomAD exomes below 0.00001; TOPMed below 0.00001; ExAC 0.00001.
gnomAD v4.1: 3 of 1,605,338 alleles (0.00019%); highest among the groups gnomAD compares: South Asian, 0.0022%; no homozygotes.

Submission:

Labcorp Genetics (formerly Invitae), Labcorp
Classification: Likely pathogenic for Deficiency of adenosine deaminase 2. Last evaluated: 2024-02-22. Review status: criteria provided, single submitter. Criteria: Invitae Variant Classification Sherloc (09022015). Collection method: clinical testing. Allele origin: germline.
Comment: This sequence change replaces histidine, which is basic and polar, with tyrosine, which is neutral and polar, at codon 112 of the ADA2 protein (p.His112Tyr). This variant is present in population databases (rs773226219, gnomAD 0.003%). This variant has not been reported in the literature in individuals affected with ADA2-related conditions. ClinVar contains an entry for this variant (Variation ID: 1472946). Advanced modeling of protein sequence and biophysical properties (such as structural, functional, and spatial information, amino acid conservation, physicochemical variation, residue mobility, and thermodynamic stability) performed at Invitae indicates that this missense variant is expected to disrupt ADA2 protein function with a positive predictive value of 95%. Experimental studies have shown that this missense change affects ADA2 function (PMID: 32892503). This variant disrupts the p.His112 amino acid residue in ADA2. Other variant(s) that disrupt this residue have been determined to be pathogenic (PMID: 24552284, 28493328). This suggests that this residue is clinically significant, and that variants that disrupt this residue are likely to be disease-causing. In summary, the currently available evidence indicates that the variant is pathogenic, but additional data are needed to prove that conclusively. Therefore, this variant has been classified as Likely Pathogenic.

Literature cited by the submitters: PubMed 32892503; PubMed 24552284; PubMed 28493328.